The following is an entry in ClinVar:

ClinVar aggregate classification (germline): Uncertain significance (1 of 4 stars; one submission).

gnomAD v4.1: 5 of 1,612,678 alleles (0.00031%); highest among the groups gnomAD compares: African/African-American, 0.0053%; no homozygotes.

Submission:

Labcorp Genetics (formerly Invitae), Labcorp
Classification: Uncertain significance. Last evaluated: 2023-08-28. Review status: criteria provided, single submitter. Criteria: Invitae Variant Classification Sherloc (09022015). Collection method: clinical testing. Allele origin: germline.
Comment: This sequence change replaces aspartic acid, which is acidic and polar, with glutamic acid, which is acidic and polar, at codon 679 of the MPDZ protein (p.Asp679Glu). This variant is present in population databases (rs554487380, gnomAD 0.008%). This variant has not been reported in the literature in individuals affected with MPDZ-related conditions. ClinVar contains an entry for this variant (Variation ID: 1358897). Algorithms developed to predict the effect of missense changes on protein structure and function output the following: SIFT: "Not Available"; PolyPhen-2: "Benign"; Align-GVGD: "Not Available". The glutamic acid amino acid residue is found in multiple mammalian species, which suggests that this missense change does not adversely affect protein function. In summary, the available evidence is currently insufficient to determine the role of this variant in disease. Therefore, it has been classified as a Variant of Uncertain Significance.

NM_001378778.1(MPDZ):c.2037T>G (p.Asp679Glu)

Gene: MPDZ (multiple PDZ domain crumbs cell polarity complex component; minus strand). Cytogenetic location: 9p23.
Variant type: single nucleotide variant.
Coding change: c.2037T>G on transcript NM_001378778.1 (MANE Select); coding-DNA position 2037, T replaced by G.
Protein change: p.Asp679Glu; replaces aspartic acid 679 with glutamic acid.
Molecular consequence: missense variant.
Genome position (GRCh38, 1-based): chr9:13,190,231, A>C on the plus strand (T>G on the coding strand, the complement: MPDZ is on the minus strand). VCF-style: chr9-13190231-A-C. GRCh37 (hg19) VCF-style: chr9-13190230-A-C.
Other names: c.2037T>G, p.Asp679Glu (NM_001261406.2, NM_001261407.2, NM_001330637.2 and 14 more transcripts); short protein forms D679E.
Identifiers: ClinVar variation 1358897 (VCV001358897.8), dbSNP rs554487380, ClinGen allele CA4987582.
Genomic context (GRCh38, chr9:13,190,231, plus strand): 5'-CTGAATGCCAGCCTCCCACATGGCCAAAGGTGCTTGAACCTCTTCTGTACTCTGACCCGC[A>C]TCAGTCATCGCCAGCACTGGATCCTCTGTCTCTGATGACCCGATGAACTCACCTAGATCT-3'
Protein context (NP_001365707.1, residues 669-689): ETEDPVLAMT[Asp679Glu]AGQSTEEVQA